The following is an entry in ClinVar:

NM_001352514.2(HLCS):c.1188del (p.Phe397fs)

Gene: HLCS (holocarboxylase synthetase; minus strand). Cytogenetic location: 21q22.13.
Variant type: Deletion.
Coding change: c.1188del on transcript NM_001352514.2 (MANE Select); coding-DNA position 1188, one base deleted (C; older notation c.1188delC).
Protein change: p.Phe397fs; shifts the reading frame from phenylalanine 397.
Molecular consequence: frameshift variant. On other transcripts: non-coding transcript variant (2).
Genome position (GRCh38, 1-based): chr21:36,936,698, G deleted on the plus strand (C on the coding strand, the reverse complement: HLCS is on the minus strand); the first of 2 consecutive G bases (chr21:36,936,698-36,936,699); deleting either gives the same sequence. VCF-style (leftmost placement, unchanged base first): chr21-36936697-AG-A. GRCh37 (hg19) VCF-style: chr21-38308997-AG-A.
Other names: c.747del, p.Phe250fs (NM_001352515.2, NM_001352516.2, NM_001352517.1 and 4 more transcripts); short protein forms F250fs, F397fs.
Identifiers: ClinVar variation 4818331 (VCV004818331.1).

ClinVar aggregate classification (germline): Likely pathogenic (1 of 4 stars; one submission).

Conditions:
Holocarboxylase synthetase deficiency. Also called: MULTIPLE CARBOXYLASE DEFICIENCY, EARLY ONSET. Identifiers: Orphanet 79242, MedGen C0268581, MONDO:0009666, OMIM 253270.

Submission:

Natera, Inc.
Classification: Likely pathogenic for Holocarboxylase synthetase deficiency. Last evaluated: 2024-04-23. Review status: criteria provided, single submitter. Criteria: Natera Variant Classification Schema (03/2026). Collection method: clinical testing. Allele origin: germline.
Comment: The c.747delC variant in HLCS is a frameshift variant predicted to shift the reading frame beginning at codon 250 and leads to a stop codon 8 codons downstream. This variant is expected to result in nonsense mediated decay, truncation, or a dysfunctional protein product. This variant is rare in the general population with a frequency below the threshold expected for the associated phenotype(s). Given the available evidence, this variant is classified as Likely Pathogenic.